The following is an entry in ClinVar:

ClinVar aggregate classification (germline): Uncertain significance. Review status: reviewed by expert panel (3 of 4 stars). 4 submissions from 4 submitters: Uncertain significance (2). 2 of the submissions do not count toward it. Last evaluated 2025-08-01.

Conditions:
Malignant hyperthermia, susceptibility to, 1 (MHS1). Also called: Anesthesia related hyperthermia; Malignant hyperpyrexia; Fulminating hyperpyrexia; Pharmacogenic myopathy; RYR1-Related Malignant Hyperthermia Susceptibility; Malignant hyperthermia suceptibility 1. Identifiers: Orphanet 423, MedGen C2930980, MONDO:0007783, OMIM 145600.
RYR1-related myopathy. Identifiers: Orphanet 98742, MedGen CN305348, MONDO:0100150.
Central core myopathy (CMYO1A). Also called: CONGENITAL MYOPATHY 1A, AUTOSOMAL DOMINANT, WITH SUSCEPTIBILITY TO MALIGNANT HYPERTHERMIA; Central core disease; Myopathy, central fibrillar. Identifiers: Orphanet 597, MedGen C5830701, MONDO:0007294, OMIM 117000.

Submissions (4):

ClinGen Malignant Hyperthermia Susceptibility Variant Curation Expert Panel, ClinGen
Classification: Uncertain significance for Malignant hyperthermia, susceptibility to, 1. Last evaluated: 2025-08-01. Review status: reviewed by expert panel. Criteria: RYR1-MHS Interpretation Guidelines V2. Collection method: curation. Allele origin: germline. Inheritance: Autosomal dominant inheritance.
Comment: This pathogenicity assessment is relevant only for malignant hyperthermia susceptibility (MHS) inherited in an autosomal dominant pattern. Variants in RYR1 can also cause other myopathies inherited in an autosomal dominant pattern or in an autosomal recessive pattern. Some of these disorders may predispose individuals to malignant hyperthermia. RYR1 variants may also contribute to a malignant hyperthermia reaction in combination with other genetic and non-genetic factors and the clinician needs to consider such factors in making management decisions. This sequence variant predicts a substitution of lysine with arginine at codon 3367 of the RYR1 protein, p.(Lys3367Arg). This variant was not present in a large population database (gnomAD) at the time this variant was interpreted. This variant has been reported in two individuals with personal or family histories of an MH episode without in vitro contracture test (IVCT) or caffeine halothane contracture test (CHCT) results, PS4_Supporting (PMID:16732084, UK (Leeds) MH Unit). Functional studies in HEK293 cells do not show an increased sensitivity to RYR1 agonists, however, this paper has been retracted and is not considered in this classification (PMID:32535660). A REVEL score of 0.632 supports neither a pathogenic nor a benign status for this variant. Based on using Bayes to combine criteria this variant is assessed as a Variant of Unknown Significance, (PMID: 29300386). Criteria implemented: PS4_Supporting.

ClinGen Congenital Myopathies Variant Curation Expert Panel, ClinGen
Classification: Uncertain significance for RYR1-related myopathy. Last evaluated: 2024-11-18. Review status: reviewed by expert panel. Criteria: ClinGen CongenMyopathy ACMG Specifications RYR1 AD V2.0.0. Collection method: curation. Allele origin: germline. Inheritance: Autosomal dominant inheritance.
Comment: The variant NM_000540.3:c.10100A>G in RYR1 is a missense variant predicted to cause substitution of lysine by arginine at amino acid 3367 (p.Lys3367Arg). The variant is absent from gnomAD v4.1.0 (PM2_Supporting). The computational predictor REVEL gives a score of 0.632, which is neither above nor below the thresholds predicting a damaging or benign impact on RYR1 function. This variant has been reported in one proband with central core disease (PS4_Supporting; PMID: 16621918). In summary, this variant meets the criteria to be classified as uncertain significance for AD RYR1-related myopathy. ACMG/AMP criteria met, as specified by the Congenital Myopathies VCEP (Specification Version 1.0.0): PM2_Supporting, PS4_Supporting (ClinGen Congenital Myopathies VCEP specifications version 2.0.0; 11/18/2024).

GeneReviews
Classification: Pathogenic for Central Core Disease. Last evaluated: 2010-05-11. Review status: no assertion criteria provided. Collection method: curation. Allele origin: unknown. Not counted in ClinVar's aggregate classification.
ClinVar note: Converted during submission from pathologic to Pathogenic.

RYR1 database
No classification provided. Review status: no classification provided. Collection method: not provided. Allele origin: unknown. Not counted in ClinVar's aggregate classification.

NM_000540.3(RYR1):c.10100A>G (p.Lys3367Arg)

Gene: RYR1 (ryanodine receptor 1; plus strand). Cytogenetic location: 19q13.2.
Variant type: single nucleotide variant.
Coding change: c.10100A>G on transcript NM_000540.3 (MANE Select); coding-DNA position 10100, A replaced by G.
Protein change: p.Lys3367Arg; replaces lysine 3367 with arginine.
Molecular consequence: missense variant.
Genome position (GRCh38, 1-based): chr19:38,519,295, A>G. VCF-style: chr19-38519295-A-G. GRCh37 (hg19) VCF-style: chr19-39009935-A-G.
Other names: NM_000540.3(RYR1):c.10100A>G; c.10100A>G (NM_000540.2); c.10100A>G, p.Lys3367Arg (NM_001042723.2); short protein forms K3367R.
Identifiers: ClinVar variation 65956 (VCV000065956.6), dbSNP rs118192126, ClinGen allele CA023815.
Genomic context (GRCh38, chr19:38,519,295, plus strand): 5'-GCCGTGCACGGCCGGAGCTCCTGCAGTCCCACTTCATCCCAACTATCGGGCGGCTGCGCA[A>G]GAGGGCAGGGAAGGTGGTGTCCGAGGAGGAGCAGCTGCGCCTGGAGGCCAAGGCGGAGGC-3'
Protein context (NP_000531.2, residues 3357-3377): HFIPTIGRLR[Lys3367Arg]RAGKVVSEEE